The following is an entry in ClinVar:

ClinVar aggregate classification (germline): Uncertain significance (1 of 4 stars; one submission).

Submission:

Labcorp Genetics (formerly Invitae), Labcorp
Classification: Uncertain significance. Last evaluated: 2024-11-03. Review status: criteria provided, single submitter. Criteria: Invitae Variant Classification Sherloc (09022015). Collection method: clinical testing. Allele origin: germline.
Comment: This sequence change replaces isoleucine, which is neutral and non-polar, with valine, which is neutral and non-polar, at codon 157 of the GNB3 protein (p.Ile157Val). This variant is not present in population databases (gnomAD no frequency). This variant has not been reported in the literature in individuals affected with GNB3-related conditions. Invitae Evidence Modeling of protein sequence and biophysical properties (such as structural, functional, and spatial information, amino acid conservation, physicochemical variation, residue mobility, and thermodynamic stability) indicates that this missense variant is not expected to disrupt GNB3 protein function with a negative predictive value of 80%. In summary, the available evidence is currently insufficient to determine the role of this variant in disease. Therefore, it has been classified as a Variant of Uncertain Significance.

NM_002075.4(GNB3):c.469A>G (p.Ile157Val)

Gene: GNB3 (G protein subunit beta 3; plus strand). Cytogenetic location: 12p13.31.
Variant type: single nucleotide variant.
Coding change: c.469A>G on transcript NM_002075.4 (MANE Select); coding-DNA position 469, A replaced by G.
Protein change: p.Ile157Val; replaces isoleucine 157 with valine.
Molecular consequence: missense variant.
Genome position (GRCh38, 1-based): chr12:6,843,670, A>G. VCF-style: chr12-6843670-A-G. GRCh37 (hg19) VCF-style: chr12-6952834-A-G.
Other names: c.469A>G, p.Ile157Val (NM_001297571.2); short protein forms I157V.
Identifiers: ClinVar variation 3695248 (VCV003695248.2).
Genomic context (GRCh38, chr12:6,843,670, plus strand): 5'-CTGTCCTTCTAACCGCCTCCAGGTTATCTCTCCTGCTGCCGCTTCCTGGATGACAACAAT[A>G]TTGTGACCAGCTCGGGGGACACCACGTGGTGAGGCTGAACATTGCTGGTGCTGGGGCTTG-3'
Protein context (NP_002066.1, residues 147-167): SCCRFLDDNN[Ile157Val]VTSSGDTTCA